The following is an entry in ClinVar:

NM_001098426.2(SMARCD2):c.1322A>G (p.His441Arg)

Gene: SMARCD2 (SWI/SNF related BAF chromatin remodeling complex subunit D2; minus strand). Cytogenetic location: 17q23.3.
Variant type: single nucleotide variant.
Coding change: c.1322A>G on transcript NM_001098426.2 (MANE Select); coding-DNA position 1322, A replaced by G.
Protein change: p.His441Arg; replaces histidine 441 with arginine.
Molecular consequence: missense variant.
Genome position (GRCh38, 1-based): chr17:63,833,416, T>C on the plus strand (A>G on the coding strand, the complement: SMARCD2 is on the minus strand). VCF-style: chr17-63833416-T-C. GRCh37 (hg19) VCF-style: chr17-61910776-T-C.
Other names: c.1097A>G, p.His366Arg (NM_001330439.1); c.1178A>G, p.His393Arg (NM_001330440.2); short protein forms H393R, H366R, H441R.
Identifiers: ClinVar variation 2064173 (VCV002064173.1), dbSNP rs757193839, ClinGen allele CA8706231.

ClinVar aggregate classification (germline): Uncertain significance (1 of 4 stars; one submission).

Allele frequency attached by ClinVar (database versions not stated): gnomAD 0.00001; ExAC 0.00002; gnomAD exomes 0.00002; TOPMed 0.00003.
gnomAD v4.1: 37 of 1,613,878 alleles (0.0023%); highest among the groups gnomAD compares: Admixed American, 0.0083%; no homozygotes.

Submission:

Labcorp Genetics (formerly Invitae), Labcorp
Classification: Uncertain significance. Last evaluated: 2022-08-19. Review status: criteria provided, single submitter. Criteria: Invitae Variant Classification Sherloc (09022015). Collection method: clinical testing. Allele origin: germline.
Comment: This sequence change replaces histidine, which is basic and polar, with arginine, which is basic and polar, at codon 441 of the SMARCD2 protein (p.His441Arg). This variant is present in population databases (rs757193839, gnomAD 0.009%). This variant has not been reported in the literature in individuals affected with SMARCD2-related conditions. Algorithms developed to predict the effect of missense changes on protein structure and function are either unavailable or do not agree on the potential impact of this missense change (SIFT: "Tolerated"; PolyPhen-2: "Probably Damaging"; Align-GVGD: "Class C0"). Algorithms developed to predict the effect of sequence changes on RNA splicing suggest that this variant may create or strengthen a splice site. In summary, the available evidence is currently insufficient to determine the role of this variant in disease. Therefore, it has been classified as a Variant of Uncertain Significance.